The following is an entry in ClinVar:

ClinVar aggregate classification (germline): Uncertain significance (1 of 4 stars; one submission).

gnomAD v4.1: 1 of 1,614,154 alleles (0.000062%); no homozygotes.

Submission:

Women's Health and Genetics/Laboratory Corporation of America, LabCorp
Classification: Uncertain significance. Last evaluated: 2024-12-18. Review status: criteria provided, single submitter. Criteria: LabCorp Variant Classification Summary - May 2015. Collection method: clinical testing. Allele origin: germline.
Comment: Variant summary: LPL c.872G>A (p.Cys291Tyr) results in a non-conservative amino acid change located in the Lipase domain (IPR013818) of the encoded protein sequence. Four of four in-silico tools predict a damaging effect of the variant on protein function. The variant was absent in 251348 control chromosomes (gnomAD). c.872G>A has been reported in the literature in individuals affected with Familial Lipoprotein Lipase Deficiency (Murugasu_1998, Rodrigues_2016). These data indicate that the variant may be associated with disease. To our knowledge, no experimental evidence demonstrating an impact on protein function has been reported. The following publications have been ascertained in the context of this evaluation (PMID: 9659309, 27055971). No submitters have cited clinical-significance assessments for this variant to ClinVar. Based on the evidence outlined above, the variant was classified as VUS-possibly pathogenic.

Literature cited by the submitters: PubMed 27055971; PubMed 9659309.

NM_000237.3(LPL):c.872G>A (p.Cys291Tyr)

Gene: LPL (lipoprotein lipase; plus strand). Cytogenetic location: 8p21.3.
Variant type: single nucleotide variant.
Coding change: c.872G>A on transcript NM_000237.3 (MANE Select); coding-DNA position 872, G replaced by A.
Protein change: p.Cys291Tyr; replaces cysteine 291 with tyrosine.
Molecular consequence: missense variant.
Genome position (GRCh38, 1-based): chr8:19,955,937, G>A. VCF-style: chr8-19955937-G-A. GRCh37 (hg19) VCF-style: chr8-19813448-G-A.
Other names: short protein forms C291Y.
Identifiers: ClinVar variation 3768525 (VCV003768525.1).